The following is an entry in ClinVar:

ClinVar aggregate classification (germline): Likely benign. Review status: criteria provided, multiple submitters, no conflicts (2 of 4 stars). 2 submissions from 2 submitters: Likely benign (2). Last evaluated 2026-01-07.

Conditions:
HK1-related disorder. Also called: HK1-related condition; HK1-related disorders.

gnomAD v4.1: 234 of 1,608,856 alleles (0.015%); highest among the groups gnomAD compares: East Asian, 0.5%; 2 homozygotes.

Submissions (2):

PreventionGenetics, part of Exact Sciences
Classification: Likely benign for HK1-related condition. Last evaluated: 2026-01-07. Review status: criteria provided, single submitter. Criteria: ACMG Guidelines, 2015. Collection method: clinical testing. Allele origin: germline.
Comment: This variant is classified as likely benign based on ACMG/AMP sequence variant interpretation guidelines (Richards et al. 2015 PMID: 25741868, with internal and published modifications).

Blueprint Genetics
Classification: Likely benign. Last evaluated: 2024-03-06. Review status: criteria provided, single submitter. Criteria: ACMG Guidelines, 2015. Collection method: clinical testing. Allele origin: germline.

NM_001358263.1(HK1):c.75+5146C>T

Gene: HK1 (hexokinase 1; plus strand). Cytogenetic location: 10q22.1.
Variant type: single nucleotide variant.
Coding change: c.75+5146C>T on transcript NM_001358263.1 (MANE Plus Clinical); 5146 bases into the intron after coding-DNA position 75, C replaced by T.
Molecular consequence: intron variant. On other transcripts: 5 prime UTR variant (1).
Genome position (GRCh38, 1-based): chr10:69,300,826, C>T. VCF-style: chr10-69300826-C-T. GRCh37 (hg19) VCF-style: chr10-71060582-C-T.
Other names: c.-9C>T (NM_033500.2); c.168+5146C>T (NM_001322365.2); c.75+5146C>T (NM_033498.3, NM_033497.3, NM_001322364.2).
Identifiers: ClinVar variation 4907644 (VCV004907644.2).
Genomic context (GRCh38, chr10:69,300,826, plus strand): 5'-CAGCATTGTTGATGCTCTTGAGAGCATCAGCCAGGACATTAATGTGCACCACTGTGGTGG[C>T]GTGGAAAGATGGCAAAAAGAGCCCTGCATGATTTTGTACGTAGAAAATCCTGGAATACCC-3'